The following is an entry in ClinVar:

ClinVar aggregate classification (germline): Conflicting classifications of pathogenicity. Review status: criteria provided, conflicting classifications (1 of 4 stars). 3 submissions from 3 submitters: Uncertain significance (1); Likely benign (2). Last evaluated 2026-05-11.

Conditions:
Hereditary cancer-predisposing syndrome. Also called: Neoplastic Syndromes, Hereditary; Hereditary Cancer Syndrome; Hereditary neoplastic syndrome; Tumor predisposition. Identifiers: Orphanet 140162, MedGen C0027672, MeSH D009386, MONDO:0015356.
Neurofibromatosis, type 1 (NF1). Also called: Neurofibromatosis, type I; NEUROFIBROMATOSIS, TYPE I, SOMATIC; Peripheral type neurofibromatosis; VON RECKLINGHAUSEN DISEASE. Identifiers: Orphanet 636, MedGen C0027831, MONDO:0018975, OMIM 162200. Disease mechanism: loss of function.

Allele frequency attached by ClinVar (database versions not stated): gnomAD exomes below 0.00001; TOPMed below 0.00001.
gnomAD v4.1: 4 of 1,585,234 alleles (0.00025%); highest among the groups gnomAD compares: African/African-American, 0.0013%; no homozygotes.

Submissions (3):

Myriad Genetics, Inc.
Classification: Likely benign for Neurofibromatosis, type 1. Last evaluated: 2026-05-11. Review status: criteria provided, single submitter. Criteria: Myriad Autosomal Dominant, Autosomal Recessive and X-Linked Classification Criteria (2023). Collection method: clinical testing. Allele origin: unknown.
Comment: This variant is considered likely benign. This variant is intronic and is not expected to impact mRNA splicing.

Labcorp Genetics (formerly Invitae), Labcorp
Classification: Likely benign for Neurofibromatosis, type 1. Last evaluated: 2025-12-03. Review status: criteria provided, single submitter. Criteria: Invitae Variant Classification Sherloc (09022015). Collection method: clinical testing. Allele origin: germline.

Sema4
Classification: Uncertain significance for Hereditary cancer-predisposing syndrome. Last evaluated: 2022-03-08. Review status: criteria provided, single submitter. Criteria: Sema4 Curation Guidelines. Collection method: curation. Allele origin: germline.
Comment: The NF1 c.1393-9T>C variant has not been reported in the literature to our knowledge. This variant was observed in 1/14962 chromosomes in the African/African American population, according to the Genome Aggregation Database (PMID: 32461654). The variant has been reported in ClinVar (Variation ID: 527651). In silico tools that predict the effect of sequence changes on splicing suggest that this variant may not impact splicing, though these predictions have not been confirmed by functional studies. The evidence is insufficient to meet ACMG/AMP criteria for classifying the variant as benign or pathogenic. Thus, the clinical significance of this variant is currently uncertain.

NM_001042492.3(NF1):c.1393-9T>C

Gene: NF1 (neurofibromin 1; plus strand). Cytogenetic location: 17q11.2.
Variant type: single nucleotide variant.
Coding change: c.1393-9T>C on transcript NM_001042492.3 (MANE Select); 9 bases into the intron before coding-DNA position 1393, T replaced by C.
Molecular consequence: intron variant.
Genome position (GRCh38, 1-based): chr17:31,214,442, T>C. VCF-style: chr17-31214442-T-C. GRCh37 (hg19) VCF-style: chr17-29541460-T-C.
Other names: c.1393-9T>C (NM_000267.4, NM_001128147.3).
Identifiers: ClinVar variation 527651 (VCV000527651.13), dbSNP rs1314978150, ClinGen allele CA625468523.